The following is an entry in ClinVar:

NM_002691.4(POLD1):c.1170dup (p.Asp391fs)

Gene: POLD1 (DNA polymerase delta 1, catalytic subunit; plus strand). Cytogenetic location: 19q13.33.
Variant type: Duplication.
Coding change: c.1170dup on transcript NM_002691.4 (MANE Select); coding-DNA position 1170, one base duplicated (C; older notation c.1170dupC).
Protein change: p.Asp391fs; shifts the reading frame from aspartic acid 391.
Molecular consequence: frameshift variant. On other transcripts: non-coding transcript variant (1).
Genome position (GRCh38, 1-based): chr19:50,403,525, C duplicated; the last of 4 consecutive C bases (chr19:50,403,522-50,403,525); duplicating any one gives the same sequence. VCF-style (leftmost placement, unchanged base first): chr19-50403521-A-AC. GRCh37 (hg19) VCF-style: chr19-50906778-A-AC.
Other names: c.1170dup, p.Asp391fs (NM_001256849.1, NM_001308632.1); short protein forms D391fs.
Identifiers: ClinVar variation 2706484 (VCV002706484.3), dbSNP rs2513976896, ClinGen allele CA2576862682.

ClinVar aggregate classification (germline): Uncertain significance (1 of 4 stars; one submission).

Conditions:
POLD1-related polyposis and colorectal cancer syndrome (CRCS10). Also called: Colorectal cancer 10; Colorectal cancer, susceptibility to, 10; COLORECTAL CANCER, SUSCEPTIBILITY TO, ON CHROMOSOME 19q. Identifiers: Orphanet 220460, MedGen C2675481, MONDO:0012953, OMIM 612591.

Submission:

Labcorp Genetics (formerly Invitae), Labcorp
Classification: Uncertain significance for POLD1-related polyposis and colorectal cancer syndrome. Last evaluated: 2024-04-05. Review status: criteria provided, single submitter. Criteria: Invitae Variant Classification Sherloc (09022015). Collection method: clinical testing. Allele origin: germline.
Comment: This sequence change creates a premature translational stop signal (p.Asp391Argfs*244) in the POLD1 gene. Missense variants that disrupt the 3'-5' exonuclease (proof-reading) activity of the POLD1 protein are associated with PPAP (polymerase proofreading–associated polyposis) (PMID: 23263490, 23447401). However, loss-of-function variants that result in an absent or severely disrupted POLD1 protein, and missense variants outside the exonuclease domain, are unlikely to be associated with PPAP. This variant is not present in population databases (gnomAD no frequency). This variant has not been reported in the literature in individuals affected with POLD1-related conditions. In summary, the available evidence is currently insufficient to determine the role of this variant in disease. Therefore, it has been classified as a Variant of Uncertain Significance.

Literature cited by the submitters: PubMed 23263490; PubMed 23447401.